The following is an entry in ClinVar:

NM_001378615.1(CC2D2A):c.3893T>A (p.Val1298Asp)

Genes: CC2D2A (coiled-coil and C2 domain containing 2A; plus strand), FBXL5 (F-box and leucine rich repeat protein 5; minus strand). Cytogenetic location: 4p15.32.
Variant type: single nucleotide variant.
Coding change: c.3893T>A on transcript NM_001378615.1 (MANE Select); coding-DNA position 3893, T replaced by A.
Protein change: p.Val1298Asp; replaces valine 1298 with aspartic acid.
Molecular consequence: missense variant.
Genome position (GRCh38, 1-based): chr4:15,580,089, T>A. VCF-style: chr4-15580089-T-A. GRCh37 (hg19) VCF-style: chr4-15581712-T-A.
Other names: c.3893T>A, p.Val1298Asp (NM_001080522.2); c.3746T>A, p.Val1249Asp (NM_001378617.1); short protein forms V1298D, V1249D.
Identifiers: ClinVar variation 56310 (VCV000056310.8), dbSNP rs386833758, ClinGen allele CA144234.
Genomic context (GRCh38, chr4:15,580,089, plus strand): 5'-CCTTAAAGTTTCCAAATCGTCAGTGCCTTACAACAGTAATTGATATAAGCGGAAAAACTG[T>A]TTTTATCACACGTTATCTCAAACCTTTAAACCCTCCTCAGGAGCTCCTTAATGTCTACCC-3'
Protein context (NP_001365544.1, residues 1288-1308): TTVIDISGKT[Val1298Asp]FITRYLKPLN

ClinVar aggregate classification (germline): Uncertain significance. Review status: criteria provided, single submitter (1 of 4 stars). 2 submissions from 2 submitters: Uncertain significance (1). 1 of the submissions does not count toward it. Last evaluated 2021-09-15.

Conditions:
Meckel-Gruber syndrome. Also called: Dysencephalia splachnocystica; DYSENCEPHALIA SPLANCHNOCYSTICA; GRUBER SYNDROME. Identifiers: Orphanet 564, MedGen C0265215, MONDO:0018921.
Joubert syndrome. Also called: Familial aplasia of the vermis; JOUBERT-BOLTSHAUSER SYNDROME. Identifiers: Orphanet 475, MedGen C5979921, MONDO:0018772.
Meckel syndrome, type 6. Identifiers: Orphanet 564, MedGen C2676790, MONDO:0012848, OMIM 612284.

Allele frequency attached by ClinVar (database versions not stated): gnomAD exomes below 0.00001.
gnomAD v4.1: 4 of 1,613,948 alleles (0.00025%); highest among the groups gnomAD compares: Non-Finnish European, 0.00034%; no homozygotes.

Submissions (2):

Labcorp Genetics (formerly Invitae), Labcorp
Classification: Uncertain significance for Joubert syndrome; Meckel-Gruber syndrome. Last evaluated: 2021-09-15. Review status: criteria provided, single submitter. Criteria: Invitae Variant Classification Sherloc (09022015). Collection method: clinical testing. Allele origin: germline.
Comment: This sequence change replaces valine with aspartic acid at codon 1298 of the CC2D2A protein (p.Val1298Asp). The valine residue is highly conserved and there is a large physicochemical difference between valine and aspartic acid. This variant is not present in population databases (ExAC no frequency). This missense change has been observed in individual(s) with clinical features of Meckel-Gruber syndrome (PMID: 21068128, 23351400). ClinVar contains an entry for this variant (Variation ID: 56310). Advanced modeling of protein sequence and biophysical properties (such as structural, functional, and spatial information, amino acid conservation, physicochemical variation, residue mobility, and thermodynamic stability) performed at Invitae indicates that this missense variant is expected to disrupt CC2D2A protein function. In summary, the available evidence is currently insufficient to determine the role of this variant in disease. Therefore, it has been classified as a Variant of Uncertain Significance.

Juha Muilu Group; Institute for Molecular Medicine Finland (FIMM)
Classification: Likely pathogenic for Meckel syndrome, type 6. Review status: no assertion criteria provided. Collection method: not provided. Allele origin: unknown. Not counted in ClinVar's aggregate classification.
Comment: FinDis database variant: This variant was not found or characterized by our laboratory, data were collected from public sources: see reference
ClinVar note: Converted during submission from probable-pathogenic to Likely pathogenic.

Literature cited by the submitters: PubMed 21068128 (cited by Labcorp Genetics (formerly Invitae), Labcorp); PubMed 23351400 (cited by Labcorp Genetics (formerly Invitae), Labcorp).